The following is an entry in ClinVar:

NM_001139.3(ALOX12B):c.877A>G (p.Met293Val)

Gene: ALOX12B (arachidonate 12-lipoxygenase, 12R type; minus strand). Cytogenetic location: 17p13.1.
Variant type: single nucleotide variant.
Coding change: c.877A>G on transcript NM_001139.3 (MANE Select); coding-DNA position 877, A replaced by G.
Protein change: p.Met293Val; replaces methionine 293 with valine.
Molecular consequence: missense variant.
Genome position (GRCh38, 1-based): chr17:8,079,819, T>C on the plus strand (A>G on the coding strand, the complement: ALOX12B is on the minus strand). VCF-style: chr17-8079819-T-C. GRCh37 (hg19) VCF-style: chr17-7983137-T-C.
Other names: short protein forms M293V.
Identifiers: ClinVar variation 1302898 (VCV001302898.2), dbSNP rs746108687, ClinGen allele CA8367446.

ClinVar aggregate classification (germline): Uncertain significance (1 of 4 stars; one submission).

Allele frequency attached by ClinVar (database versions not stated): gnomAD exomes below 0.00001; ExAC 0.00001; TOPMed below 0.00001.
gnomAD v4.1: 1 of 1,613,460 alleles (0.000062%); highest among the groups gnomAD compares: Admixed American, 0.0017%; no homozygotes.

Submission:

GeneDx
Classification: Uncertain significance. Last evaluated: 2021-01-12. Review status: criteria provided, single submitter. Criteria: GeneDx Variant Classification Process June 2021. Collection method: clinical testing. Allele origin: germline. Affected: yes.
Comment: Has not been previously published as pathogenic or benign to our knowledge; Not observed at a significant frequency in large population cohorts (Lek et al., 2016); In silico analysis supports that this missense variant has a deleterious effect on protein structure/function